The following is an entry in ClinVar:

NM_000384.3(APOB):c.2556A>C (p.Gly852=)

Gene: APOB (apolipoprotein B; minus strand). Cytogenetic location: 2p24.1.
Variant type: single nucleotide variant.
Coding change: c.2556A>C on transcript NM_000384.3 (MANE Select); coding-DNA position 2556, A replaced by C.
Protein change: p.Gly852=; no amino-acid change (glycine 852 retained).
Molecular consequence: synonymous variant.
Genome position (GRCh38, 1-based): chr2:21,023,573, T>G on the plus strand (A>C on the coding strand, the complement: APOB is on the minus strand). VCF-style: chr2-21023573-T-G. GRCh37 (hg19) VCF-style: chr2-21246445-T-G.
Identifiers: ClinVar variation 1089069 (VCV001089069.17), dbSNP rs778199079, ClinGen allele CA056631.

ClinVar aggregate classification (germline): Likely benign. Review status: criteria provided, multiple submitters, no conflicts (2 of 4 stars). 5 submissions from 5 submitters: Likely benign (4). 1 of the submissions does not count toward it. Last evaluated 2024-12-12.

Conditions:
Cardiovascular phenotype. Identifiers: MedGen CN230736.
Familial hypercholesterolemia. Also called: Familial hypercholesterolaemia; Familial hypercholesterolemias. Identifiers: MedGen C0020445, MONDO:0005439.
APOB-related disorder. Also called: APOB-related condition; APOB-related disorders.
Familial hypobetalipoproteinemia 1. Also called: APOB-Related Familial Hypobetalipoproteinemia; Hypobetalipoproteinemia, normotriglyceridemic; Acanthocytosis with hypobetalipoproteinemia. Identifiers: MedGen C4551990, MONDO:0014252, OMIM 615558.
Hypercholesterolemia, autosomal dominant, type B (FHCL2). Also called: HYPERCHOLESTEROLEMIA, FAMILIAL, DUE TO LIGAND-DEFECTIVE APOLIPOPROTEIN B; Familial hypercholesterolemia 2; APOB-Related Familial Hypercholesterolemia, Autosomal Dominant; Familial Hypercholesterolemia Type B; APOLIPOPROTEIN B-100, FAMILIAL DEFECTIVE; APOLIPOPROTEIN B-100, FAMILIAL LIGAND-DEFECTIVE. Identifiers: MedGen C1704417, MONDO:0007751, OMIM 144010.

Allele frequency attached by ClinVar (database versions not stated): TOPMed 0.00002; gnomAD 0.00001; gnomAD exomes 0.00001 and 0.00002; ExAC 0.00002.
gnomAD v4.1: 29 of 1,614,064 alleles (0.0018%); highest among the groups gnomAD compares: Admixed American, 0.012%; no homozygotes.

Submissions (5):

Quest Diagnostics Nichols Institute San Juan Capistrano
Classification: Likely benign. Last evaluated: 2024-12-12. Review status: criteria provided, single submitter. Criteria: Quest Diagnostics criteria. Collection method: clinical testing. Allele origin: unknown.

Labcorp Genetics (formerly Invitae), Labcorp
Classification: Likely benign for Familial hypobetalipoproteinemia 1; Hypercholesterolemia, autosomal dominant, type B. Last evaluated: 2024-10-30. Review status: criteria provided, single submitter. Criteria: Invitae Variant Classification Sherloc (09022015). Collection method: clinical testing. Allele origin: germline.

GENinCode PLC
Classification: Likely benign for Familial hypercholesterolemia. Last evaluated: 2024-01-30. Review status: criteria provided, single submitter. Criteria: ACMG Guidelines, 2015. Collection method: clinical testing. Allele origin: germline.
Comment: This is a synonymous (silent) variant that is not predicted by SpliceAI to impact splicing. In addition, it occurs at a nucleotide that is not conserved. Therefore this variant has been classified as Likely Benign (BP4, BP7).

Ambry Genetics
Classification: Likely benign for Cardiovascular phenotype. Last evaluated: 2017-09-14. Review status: criteria provided, single submitter. Criteria: Ambry Variant Classification Scheme 2023. Collection method: clinical testing. Allele origin: germline.

PreventionGenetics, part of Exact Sciences
Classification: Likely benign for APOB-related condition. Last evaluated: 2019-08-08. Review status: no assertion criteria provided. Collection method: clinical testing. Allele origin: germline. Not counted in ClinVar's aggregate classification.
Comment: This variant is classified as likely benign based on ACMG/AMP sequence variant interpretation guidelines (Richards et al. 2015 PMID: 25741868, with internal and published modifications).